The following is an entry in ClinVar:

NM_000038.6(APC):c.7735G>C (p.Glu2579Gln)

Gene: APC (APC regulator of Wnt signaling pathway; plus strand). Cytogenetic location: 5q22.2.
Variant type: single nucleotide variant.
Coding change: c.7735G>C on transcript NM_000038.6 (MANE Select); coding-DNA position 7735, G replaced by C.
Protein change: p.Glu2579Gln; replaces glutamic acid 2579 with glutamine.
Molecular consequence: missense variant. On other transcripts: non-coding transcript variant (2).
Genome position (GRCh38, 1-based): chr5:112,843,329, G>C. VCF-style: chr5-112843329-G-C. GRCh37 (hg19) VCF-style: chr5-112179026-G-C.
Other names: c.7486G>C, p.Glu2496Gln (NM_001407457.1, NM_001407454.1, NM_001407455.1 and 1 more transcripts); c.7432G>C, p.Glu2478Gln (NM_001407458.1, NM_001407459.1, NM_001407460.1 and 1 more transcripts); c.7348G>C, p.Glu2450Gln (NM_001407467.1, NM_001407469.1); c.6886G>C, p.Glu2296Gln (NM_001407470.1, NM_001354906.2); c.6583G>C, p.Glu2195Gln (NM_001407471.1, NM_001407472.1); c.7705G>C, p.Glu2569Gln (NM_001407452.1); c.7558G>C, p.Glu2520Gln (NM_001407453.1, NM_001354901.2); c.7735G>C, p.Glu2579Gln (NM_001127510.3, NM_001354895.2, NM_001407450.1); and 11 more; short protein forms E2195Q, E2419Q, E2453Q, E2478Q, E2538Q, E2572Q, E2597Q, E2520Q.
Identifiers: ClinVar variation 5024705 (VCV005024705.1).

ClinVar aggregate classification (germline): Uncertain significance (1 of 4 stars; one submission).

Conditions:
Hereditary cancer-predisposing syndrome. Also called: Neoplastic Syndromes, Hereditary; Tumor predisposition; Hereditary neoplastic syndrome; Hereditary Cancer Syndrome. Identifiers: Orphanet 140162, MedGen C0027672, MeSH D009386, MONDO:0015356.

Submission:

Ambry Genetics
Classification: Uncertain significance for Hereditary cancer-predisposing syndrome. Last evaluated: 2026-06-21. Review status: criteria provided, single submitter. Criteria: Ambry Variant Classification Scheme 2023. Collection method: clinical testing. Allele origin: germline.
Comment: The p.E2579Q variant (also known as c.7735G>C), located in coding exon 15 of the APC gene, results from a G to C substitution at nucleotide position 7735. The glutamic acid at codon 2579 is replaced by glutamine, an amino acid with highly similar properties. This amino acid position is conserved. In addition, in silico predictors for this gene do not accurately predict pathogenicity. Based on the available evidence, the clinical significance of this variant remains unclear.